The following is an entry in ClinVar:

NM_001329998.2(TRANK1):c.4389G>A (p.Thr1463=)

Gene: TRANK1 (tetratricopeptide repeat and ankyrin repeat containing 1; minus strand). Cytogenetic location: 3p22.2.
Variant type: single nucleotide variant.
Coding change: c.4389G>A on transcript NM_001329998.2 (MANE Select); coding-DNA position 4389, G replaced by A.
Protein change: p.Thr1463=; no amino-acid change (threonine 1463 retained).
Molecular consequence: synonymous variant.
Genome position (GRCh38, 1-based): chr3:36,855,333, C>T on the plus strand (G>A on the coding strand, the complement: TRANK1 is on the minus strand). VCF-style: chr3-36855333-C-T. GRCh37 (hg19) VCF-style: chr3-36896824-C-T.
Other names: c.4257G>A, p.Thr1419= (NM_014831.3).
Identifiers: ClinVar variation 4084104 (VCV004084104.8).
Genomic context (GRCh38, chr3:36,855,333, plus strand): 5'-AGAGCGCAGATCGCTGAAGCGGAAGGCCACGCCCTTCATGATGCTCTGGGCCGTGTCCCC[C>T]GTGAGGAACATAGAGTTGGGGTCATTGATGCATTTCATCAGCAGCGCCAGCTCGGCCTGG-3'
Protein context (NP_001316927.1, residues 1453-1473): CINDPNSMFL[Thr1463=]GDTAQSIMKG

ClinVar aggregate classification (germline): Likely benign (1 of 4 stars; one submission).

gnomAD v4.1: 1,002 of 1,614,026 alleles (0.062%); highest among the groups gnomAD compares: South Asian, 0.99%; 12 homozygotes.

Submission:

CeGaT Center for Human Genetics Tuebingen
Classification: Likely benign. Last evaluated: 2025-07-01. Review status: criteria provided, single submitter. Criteria: CeGaT Center For Human Genetics Tuebingen Variant Classification Criteria Version 2. Collection method: clinical testing. Allele origin: germline. Affected: yes. Observed: 1 variant allele.
Comment: TRANK1: BP4, BP7